The following is an entry in ClinVar:

ClinVar aggregate classification (germline): Conflicting classifications of pathogenicity. Review status: criteria provided, conflicting classifications (1 of 4 stars). 2 submissions from 2 submitters: Likely pathogenic (1); Uncertain significance (1). Last evaluated 2024-03-26.

Allele frequency attached by ClinVar (database versions not stated): gnomAD exomes below 0.00001 and 0.00001; ExAC 0.00001; gnomAD 0.00001; TOPMed 0.00002.

Submissions (2):

Revvity Omics, Revvity
Classification: Likely pathogenic. Last evaluated: 2024-03-26. Review status: criteria provided, single submitter. Criteria: ACMG Guidelines, 2015. Collection method: clinical testing. Allele origin: germline.

Labcorp Genetics (formerly Invitae), Labcorp
Classification: Uncertain significance. Last evaluated: 2021-10-12. Review status: criteria provided, single submitter. Criteria: Invitae Variant Classification Sherloc (09022015). Collection method: clinical testing. Allele origin: germline.
Comment: This missense change has been observed in individual(s) with pyruvate kinase deficiency (PMID: 17574881). In summary, the available evidence is currently insufficient to determine the role of this variant in disease. Therefore, it has been classified as a Variant of Uncertain Significance. This variant disrupts the p.Arg498 amino acid residue in PKLR. Other variant(s) that disrupt this residue have been observed in individuals with PKLR-related conditions (PMID: 9482576, 17574881, 29396846), which suggests that this may be a clinically significant amino acid residue. Algorithms developed to predict the effect of missense changes on protein structure and function are either unavailable or do not agree on the potential impact of this missense change (SIFT: "Deleterious"; PolyPhen-2: "Probably Damaging"; Align-GVGD: "Class C0"). The frequency data for this variant in the population databases is considered unreliable, as metrics indicate poor data quality at this position in the ExAC database. This sequence change replaces arginine with histidine at codon 498 of the PKLR protein (p.Arg498His). The arginine residue is highly conserved and there is a small physicochemical difference between arginine and histidine.

Literature cited by the submitters: PubMed 17574881 (cited by Labcorp Genetics (formerly Invitae), Labcorp); PubMed 9482576 (cited by Labcorp Genetics (formerly Invitae), Labcorp); PubMed 29396846 (cited by Labcorp Genetics (formerly Invitae), Labcorp).

NM_000298.6(PKLR):c.1493G>A (p.Arg498His)

Gene: PKLR (pyruvate kinase L/R; minus strand). Cytogenetic location: 1q22.
Variant type: single nucleotide variant.
Coding change: c.1493G>A on transcript NM_000298.6 (MANE Select); coding-DNA position 1493, G replaced by A.
Protein change: p.Arg498His; replaces arginine 498 with histidine.
Molecular consequence: missense variant.
Genome position (GRCh38, 1-based): chr1:155,291,881, C>T on the plus strand (G>A on the coding strand, the complement: PKLR is on the minus strand). VCF-style: chr1-155291881-C-T. GRCh37 (hg19) VCF-style: chr1-155261672-C-T.
Other names: c.1400G>A, p.Arg467His (NM_181871.4); short protein forms R467H, R498H.
Identifiers: ClinVar variation 1324924 (VCV001324924.9), dbSNP rs758327704, ClinGen allele CA1143979.
Genomic context (GRCh38, chr1:155,291,881, plus strand): 5'-CGGTAAAGCAAGGGGAAGACTCCTCGGCATAAGTGGACCTGGCGGGCAGCCTGGGCAGAG[C>T]GGGTGACAGCAATGACTGCTGCCCGAGGTCGGTACCGAGACAGAAGCTGGGCTGAGCTGG-3'
Protein context (NP_000289.1, residues 488-508): RPRAAVIAVT[Arg498His]SAQAARQVHL